The following is an entry in ClinVar:

ClinVar aggregate classification (germline): Uncertain significance (1 of 4 stars; one submission).

Conditions:
Primary ciliary dyskinesia. Also called: Ciliary dyskinesia. Identifiers: Orphanet 244, MedGen C0008780, MONDO:0016575, HP:0012265.

Submission:

Labcorp Genetics (formerly Invitae), Labcorp
Classification: Uncertain significance for Primary ciliary dyskinesia. Last evaluated: 2021-10-25. Review status: criteria provided, single submitter. Criteria: Invitae Variant Classification Sherloc (09022015). Collection method: clinical testing. Allele origin: germline.
Comment: This sequence change replaces leucine with valine at codon 3723 of the DNAH5 protein (p.Leu3723Val). The leucine residue is highly conserved and there is a small physicochemical difference between leucine and valine. This variant is not present in population databases (ExAC no frequency). This variant has not been reported in the literature in individuals affected with DNAH5-related conditions. Algorithms developed to predict the effect of missense changes on protein structure and function (SIFT, PolyPhen-2, Align-GVGD) all suggest that this variant is likely to be disruptive. In summary, the available evidence is currently insufficient to determine the role of this variant in disease. Therefore, it has been classified as a Variant of Uncertain Significance.

NM_001369.3(DNAH5):c.11167C>G (p.Leu3723Val)

Gene: DNAH5 (dynein axonemal heavy chain 5; minus strand). Cytogenetic location: 5p15.2.
Variant type: single nucleotide variant.
Coding change: c.11167C>G on transcript NM_001369.3 (MANE Select); coding-DNA position 11167, C replaced by G.
Protein change: p.Leu3723Val; replaces leucine 3723 with valine.
Molecular consequence: missense variant.
Genome position (GRCh38, 1-based): chr5:13,751,122, G>C on the plus strand (C>G on the coding strand, the complement: DNAH5 is on the minus strand). VCF-style: chr5-13751122-G-C. GRCh37 (hg19) VCF-style: chr5-13751231-G-C.
Other names: short protein forms L3723V.
Identifiers: ClinVar variation 1472959 (VCV001472959.11), dbSNP rs2126689104, ClinGen allele CA359188898.